The following is an entry in ClinVar:

ClinVar aggregate classification (germline): Pathogenic (1 of 4 stars; one submission).

Conditions:
Lymphatic malformation 6 (LMPHM6). Also called: GENERALIZED LYMPHATIC DYSPLASIA OF FOTIOU; PIEZO1-related generalized lymphatic dysplasia with non-immune hydrops fetalis; Lymphedema, hereditary, III. Identifiers: Orphanet 568062, MedGen C4225184, MONDO:0014797, OMIM 616843.

Submission:

Variantyx, Inc.
Classification: Pathogenic for Lymphatic malformation 6. Last evaluated: 2025-08-28. Review status: criteria provided, single submitter. Criteria: Variantyx Assertion Criteria 2022. Collection method: clinical testing. Allele origin: germline. Inheritance: Autosomal recessive inheritance. Affected: yes.
Comment: This is a frameshift variant in the PIEZO1 gene (OMIM: 611184). Pathogenic variants in this gene have been associated with autosomal recessive lymphatic malformation 6. This variant introduces a premature termination codon in exon 49 out of 51 and is expected to result in loss of function, which is a known disease mechanism for PIEZO1 in this disorder (PMID: 26333996) (PVS1). The clinical symptoms reported for this individual are highly specific for autosomal recessive lymphatic malformation 6, which has a limited genetic etiology (PMID:26333996)(PP4). This variant is absent from control populations (PM2), and it has not been reported in individuals with PIEZO1-related disorders in the databases available for review. Based on the current evidence, this variant is classified as likely pathogenic for autosomal recessive lymphatic malformation 6.

Literature cited by the submitters: PubMed 26333996.

NM_001142864.4(PIEZO1):c.7074_7089del (p.Tyr2359fs)

Gene: PIEZO1 (piezo type mechanosensitive ion channel component 1 (Er blood group); minus strand). Cytogenetic location: 16q24.3.
Variant type: Deletion.
Coding change: c.7074_7089del on transcript NM_001142864.4 (MANE Select); coding-DNA positions 7074 to 7089, 16 bases deleted (GTACATCCGTGCCCCC).
Protein change: p.Tyr2359fs; shifts the reading frame from tyrosine 2359.
Molecular consequence: frameshift variant.
Genome position (GRCh38, 1-based): chr16:88,716,238-88,716,253, GGGGGCACGGATGTAC deleted on the plus strand (GTACATCCGTGCCCCC on the coding strand, the reverse complement: PIEZO1 is on the minus strand). VCF-style (leftmost placement, unchanged base first): chr16-88716237-TGGGGGCACGGATGTAC-T. GRCh37 (hg19) VCF-style: chr16-88782645-TGGGGGCACGGATGTAC-T.
Other names: short protein forms Y2359fs.
Identifiers: ClinVar variation 4850055 (VCV004850055.1).
Genomic context (GRCh38, chr16:88,716,237, plus strand): 5'-AACCCCCACGCCCATACTCACTGGGCTGCAGCTGCTTCACAGGGTTGGCTTCGGGCCCGT[TGGGGGCACGGATGTAC>T]TTGGGGAAGAGATTAGGGATGACCCTGCAGGGAGGTGCTGGCAGGTCAGGCCTGGCCCAG-3'